The following is an entry in ClinVar:

NM_001875.5(CPS1):c.2153G>A (p.Arg718Lys)

Gene: CPS1 (carbamoyl-phosphate synthase 1; plus strand). Cytogenetic location: 2q34.
Variant type: single nucleotide variant.
Coding change: c.2153G>A on transcript NM_001875.5 (MANE Select); coding-DNA position 2153, G replaced by A.
Protein change: p.Arg718Lys; replaces arginine 718 with lysine.
Molecular consequence: missense variant. On other transcripts: non-coding transcript variant (2).
Genome position (GRCh38, 1-based): chr2:210,606,902, G>A. VCF-style: chr2-210606902-G-A. GRCh37 (hg19) VCF-style: chr2-211471626-G-A.
Other names: c.2153G>A (LRG_336t1); c.2153G>A, p.Arg718Lys (NM_001122633.3, NM_001369257.1); c.2186G>A, p.Arg729Lys (NM_001369256.1); short protein forms R718K, R729K.
Identifiers: ClinVar variation 633181 (VCV000633181.2), dbSNP rs1559102901, ClinGen allele CA350439155.
Genomic context (GRCh38, chr2:210,606,902, plus strand): 5'-ACATTCAGTTTGCCCTTCATCCTACCTCAATGGAATACTGCATCATTGAAGTGAATGCCA[G>A]ACTGTCCCGAAGCTCTGCTCTGGCCTCAAAAGCCACTGGGTAAGACCAGAATAATTGACC-3'
Protein context (NP_001866.2, residues 708-728): MEYCIIEVNA[Arg718Lys]LSRSSALASK

ClinVar aggregate classification (germline): Uncertain significance. Review status: criteria provided, single submitter (1 of 4 stars). 2 submissions from 2 submitters: Uncertain significance (1). 1 of the submissions does not count toward it. Last evaluated 2018-08-23.

Conditions:
Congenital hyperammonemia, type I. Also called: Carbamoyl phosphate synthetase I deficiency disease; Carbamoyl phosphate synthetase 1 deficiency; Hyperammonemia due to carbamoyl phosphate synthetase 1 deficiency; CPS 1 deficiency; Carbamyl phosphate synthetase (CPS) deficiency; Carbamoyl-phosphate synthase I deficiency. Identifiers: Orphanet 147, MedGen C4082171, MONDO:0009376, OMIM 237300.

gnomAD v4.1: 1 of 1,612,526 alleles (0.000062%); no homozygotes.

Submissions (2):

Women's Health and Genetics/Laboratory Corporation of America, LabCorp
Classification: Uncertain significance. Last evaluated: 2018-08-23. Review status: criteria provided, single submitter. Criteria: LabCorp Variant Classification Summary - May 2015. Collection method: clinical testing. Allele origin: germline.
Comment: Variant summary: CPS1 c.2153G>A (p.Arg718Lys) results in a conservative amino acid change located in the Carbamoyl-phosphate synthase large subunit, CPSase domain of the encoded protein sequence. Four of five in-silico tools predict a damaging effect of the variant on protein function. The variant was absent in 30888 control chromosomes (gnomAD). The available data on variant occurrences in the general population are insufficient to allow any conclusion about variant significance. The variant, c.2153G>A, has been reported in the literature in an individual affected with Carbamoylphosphate Synthetase I Deficiency (Haberle_2011). These data do not allow any conclusion about variant significance. To our knowledge, no experimental evidence demonstrating an impact on protein function has been reported. No clinical diagnostic laboratories have submitted clinical-significance assessments for this variant to ClinVar after 2014. Based on the evidence outlined above, the variant was classified as uncertain significance.

Natera, Inc.
Classification: Uncertain significance for Carbamoyl-phosphate synthase I deficiency. Last evaluated: 2020-12-17. Review status: no assertion criteria provided. Collection method: clinical testing. Allele origin: germline. Not counted in ClinVar's aggregate classification.

Literature cited by the submitters: PubMed 21120950 (cited by Women's Health and Genetics/Laboratory Corporation of America, LabCorp).